The following is an entry in ClinVar:

ClinVar aggregate classification (germline): Uncertain significance. Review status: criteria provided, multiple submitters, no conflicts (2 of 4 stars). 3 submissions from 3 submitters: Uncertain significance (3). Last evaluated 2024-08-28.

Allele frequency attached by ClinVar (database versions not stated): gnomAD 0.00002; TOPMed 0.00003; gnomAD exomes 0.00005.
gnomAD v4.1: 81 of 1,614,106 alleles (0.005%); highest among the groups gnomAD compares: Non-Finnish European, 0.0066%; no homozygotes.

Submissions (3):

Ambry Genetics
Classification: Uncertain significance. Last evaluated: 2024-08-28. Review status: criteria provided, single submitter. Criteria: Ambry Variant Classification Scheme 2023. Collection method: clinical testing. Allele origin: germline.

Labcorp Genetics (formerly Invitae), Labcorp
Classification: Uncertain significance. Last evaluated: 2022-11-18. Review status: criteria provided, single submitter. Criteria: Invitae Variant Classification Sherloc (09022015). Collection method: clinical testing. Allele origin: germline.
Comment: In summary, the available evidence is currently insufficient to determine the role of this variant in disease. Therefore, it has been classified as a Variant of Uncertain Significance. Algorithms developed to predict the effect of missense changes on protein structure and function (SIFT, PolyPhen-2, Align-GVGD) all suggest that this variant is likely to be tolerated. This variant has not been reported in the literature in individuals affected with NCKAP1L-related conditions. This variant is present in population databases (rs745757329, gnomAD 0.003%). This sequence change replaces valine, which is neutral and non-polar, with isoleucine, which is neutral and non-polar, at codon 255 of the NCKAP1L protein (p.Val255Ile).

CeGaT Center for Human Genetics Tuebingen
Classification: Uncertain significance. Last evaluated: 2022-10-01. Review status: criteria provided, single submitter. Criteria: CeGaT Center For Human Genetics Tuebingen Variant Classification Criteria Version 2. Collection method: clinical testing. Allele origin: germline. Affected: yes. Observed: 1 variant allele.
Comment: NCKAP1L: PM2, BP4

NM_005337.5(NCKAP1L):c.763G>A (p.Val255Ile)

Gene: NCKAP1L (NCK associated protein 1 like; plus strand). Cytogenetic location: 12q13.2.
Variant type: single nucleotide variant.
Coding change: c.763G>A on transcript NM_005337.5 (MANE Select); coding-DNA position 763, G replaced by A.
Protein change: p.Val255Ile; replaces valine 255 with isoleucine.
Molecular consequence: missense variant.
Genome position (GRCh38, 1-based): chr12:54,511,830, G>A. VCF-style: chr12-54511830-G-A. GRCh37 (hg19) VCF-style: chr12-54905614-G-A.
Other names: c.763G>A (NM_005337.4); c.613G>A, p.Val205Ile (NM_001184976.2); short protein forms V205I, V255I.
Identifiers: ClinVar variation 2643057 (VCV002643057.26), dbSNP rs745757329, ClinGen allele CA237456287.
Genomic context (GRCh38, chr12:54,511,830, plus strand): 5'-AATAACTGATCATCTTTGCTTCTCTTCTCACAGATGGCCTGTGAGTATCTGTCTGTGGAA[G>A]TAATGGAGCGCTGGATTATCAGTAAGTTTAGTGGGATTAGATGGGAGTGGATGAAGCAGT-3'
Protein context (NP_005328.2, residues 245-265): TMACEYLSVE[Val255Ile]MERWIIIGFL